The following is an entry in ClinVar:

ClinVar aggregate classification (germline): Likely benign (1 of 4 stars; one submission).

gnomAD v4.1: 33 of 1,612,376 alleles (0.002%); highest among the groups gnomAD compares: African/African-American, 0.028%; no homozygotes.

Submission:

CeGaT Center for Human Genetics Tuebingen
Classification: Likely benign. Last evaluated: 2025-11-01. Review status: criteria provided, single submitter. Criteria: CeGaT Center For Human Genetics Tuebingen Variant Classification Criteria Version 2. Collection method: clinical testing. Allele origin: germline. Affected: yes. Observed: 1 variant allele.
Comment: MAST3: BP4, BP7

NM_001393504.1(MAST3):c.1473G>A (p.Leu491=)

Gene: MAST3 (microtubule associated serine/threonine kinase 3; plus strand). Cytogenetic location: 19p13.11.
Variant type: single nucleotide variant.
Coding change: c.1473G>A on transcript NM_001393504.1 (MANE Select); coding-DNA position 1473, G replaced by A.
Protein change: p.Leu491=; no amino-acid change (leucine 491 retained).
Molecular consequence: synonymous variant.
Genome position (GRCh38, 1-based): chr19:18,131,949, G>A. VCF-style: chr19-18131949-G-A. GRCh37 (hg19) VCF-style: chr19-18242759-G-A.
Other names: c.1497G>A, p.Leu499= (NM_001393501.1); c.1476G>A, p.Leu492= (NM_001393502.1); c.1473G>A, p.Leu491= (NM_001393503.1); c.1470G>A, p.Leu490= (NM_001393505.1); c.1425G>A, p.Leu475= (NM_001393506.1, NM_001393513.1); c.1452G>A, p.Leu484= (NM_001393507.1); c.1407G>A, p.Leu469= (NM_001393508.1, NM_001393516.1); c.1404G>A, p.Leu468= (NM_001393509.1, NM_001393510.1, NM_001393512.1 and 2 more transcripts); and 4 more.
Identifiers: ClinVar variation 4533906 (VCV004533906.6).